The following is an entry in ClinVar:

NM_003542.4(H4C3):c.98C>T (p.Pro33Leu)

Gene: H4C3 (H4 clustered histone 3; plus strand). Cytogenetic location: 6p22.2.
Variant type: single nucleotide variant.
Coding change: c.98C>T on transcript NM_003542.4 (MANE Select); coding-DNA position 98, C replaced by T.
Protein change: p.Pro33Leu; replaces proline 33 with leucine.
Molecular consequence: missense variant.
Genome position (GRCh38, 1-based): chr6:26,104,045, C>T. VCF-style: chr6-26104045-C-T. GRCh37 (hg19) VCF-style: chr6-26104273-C-T.
Other names: short protein forms P33L.
Identifiers: ClinVar variation 2443367 (VCV002443367.3), dbSNP rs2113784282, ClinGen allele CA363180893.

ClinVar aggregate classification (germline): Pathogenic (1 of 4 stars; one submission).

Submission:

GeneDx
Classification: Pathogenic. Last evaluated: 2023-09-16. Review status: criteria provided, single submitter. Criteria: GeneDx Variant Classification Process June 2021. Collection method: clinical testing. Allele origin: germline. Affected: yes.
Comment: Not observed at significant frequency in large population cohorts (gnomAD); In silico analysis supports that this missense variant has a deleterious effect on protein structure/function; This variant is associated with the following publications: (PMID: 35202563)